The following is an entry in ClinVar:

NM_000261.2(MYOC):c.622G>T (p.Asp208Tyr)

Gene: MYOC (myocilin; minus strand). Cytogenetic location: 1q24.3.
Variant type: single nucleotide variant.
Coding change: c.622G>T on transcript NM_000261.2 (MANE Select); coding-DNA position 622, G replaced by T.
Protein change: p.Asp208Tyr; replaces aspartic acid 208 with tyrosine.
Molecular consequence: missense variant.
Genome position (GRCh38, 1-based): chr1:171,638,705, C>A on the plus strand (G>T on the coding strand, the complement: MYOC is on the minus strand). VCF-style: chr1-171638705-C-A. GRCh37 (hg19) VCF-style: chr1-171607845-C-A.
Other names: NM_000261.2:c.622G>T; short protein forms D208Y.
Identifiers: ClinVar variation 2429761 (VCV002429761.2), dbSNP rs2527844444, ClinGen allele CA343727113.

ClinVar aggregate classification (germline): Uncertain significance (3 of 4 stars; one submission).

Conditions:
Open-angle glaucoma. Identifiers: MedGen C0017612, MONDO:0005338, HP:0012108.

Allele frequency attached by ClinVar (database versions not stated): gnomAD exomes below 0.00001.
gnomAD v4.1: 1 of 1,614,114 alleles (0.000062%); highest among the groups gnomAD compares: South Asian, 0.0011%; no homozygotes.

Submission:

ClinGen Glaucoma Variant Curation Expert Panel
Classification: Uncertain significance for Open-angle glaucoma. Last evaluated: 2025-12-03. Review status: reviewed by expert panel. Criteria: ClinGen Glaucoma ACMG Specifications V2.0.0 Approved. Collection method: curation. Allele origin: germline. Inheritance: Autosomal dominant inheritance.
Comment: The c.622G>T variant in MYOC is a missense variant predicted to cause substitution of Aspartate by Tyrosine at amino acid 208 (p.Asp208Tyr). The highest minor allele frequency of this variant was in the South Asian genetic ancestry group of gnomAD (v4.1.0) = 0.00001098 (1 allele out of 91,072), which met the ≤ 0.0001 threshold set for PM2_Supporting in a genetic ancestry group of at least 10,000 alleles. The REVEL score = 0.299, which was neither above nor below the thresholds for PP3 (≥ 0.644) or BP4 (≤ 0.290), predicting a damaging or benign impact on MYOC function. There was no functional evidence predicting a damaging or benign impact of this variant on MYOC function. 5 segregations in 1 family, with juvenile or primary open angle glaucoma (JOAG or POAG), have been reported (PMID: 32945492), which fulfilled PP1_Moderate (5-6 meioses). 2 probands with JOAG or POAG have been reported carrying this variant (PMIDs: 36343799, 32945492), which met PS4_Supporting (≥ 2 probands). In summary, this variant met the criteria to receive a score of 4 and to be classified as a variant of uncertain significance (uncertain significance classification range -1 to 5, adapted from PMID: 32720330) for juvenile open angle glaucoma based on the ACMG/AMP criteria met, as specified by the ClinGen Glaucoma VCEP (v2.0.0, 5 Dec 2024): PP1_Moderate, PS4_Supporting, PM2_Supporting.